The following is an entry in ClinVar:

ClinVar aggregate classification (germline): Conflicting classifications of pathogenicity. Review status: criteria provided, conflicting classifications (1 of 4 stars). 2 submissions from 2 submitters: Uncertain significance (1); Likely benign (1). Last evaluated 2023-11-20.

Conditions:
Arrhythmogenic cardiomyopathy with wooly hair and keratoderma. Also called: Carvajal syndrome; PALMOPLANTAR KERATODERMA WITH LEFT VENTRICULAR CARDIOMYOPATHY AND WOOLLY HAIR; Dilated cardiomyopathy with woolly hair and keratoderma; Arrhythmogenic cardiomyopathy with woolly hair and keratoderma. Identifiers: Orphanet 65282, MedGen C1854063, MONDO:0011581, OMIM 605676.
Arrhythmogenic right ventricular dysplasia 8 (ARVD8). Also called: ARRHYTHMOGENIC RIGHT VENTRICULAR CARDIOMYOPATHY 8; ARRHYTHMOGENIC RIGHT VENTRICULAR DYSPLASIA, FAMILIAL, 8; Arrhythmogenic Right Ventricular Dysplasia/Cardiomyopathy 8. Identifiers: MedGen C1843896, MONDO:0011831, OMIM 607450.

Allele frequency attached by ClinVar (database versions not stated): gnomAD exomes below 0.00001; TOPMed 0.00001.
gnomAD v4.1: 2 of 1,613,998 alleles (0.00012%); highest among the groups gnomAD compares: Admixed American, 0.0033%; no homozygotes.

Submissions (2):

All of Us Research Program, National Institutes of Health
Classification: Uncertain significance for Arrhythmogenic cardiomyopathy with wooly hair and keratoderma. Last evaluated: 2023-11-20. Review status: criteria provided, single submitter. Criteria: ACMG Guidelines, 2015. Collection method: clinical testing. Allele origin: germline. Inheritance: Autosomal dominant inheritance. Observed: 1 variant allele, 1 heterozygote.
Comment: This missense variant replaces alanine with valine at codon 1609 of the DSP protein. Computational prediction suggests that this variant may not impact protein structure and function (internally defined REVEL score threshold <= 0.5, PMID: 27666373). To our knowledge, functional studies have not been reported for this variant. This variant has not been reported in individuals affected with DSP-related disorders in the literature. This variant has been identified in 2/249156 chromosomes in the general population by the Genome Aggregation Database (gnomAD). The available evidence is insufficient to determine the role of this variant in disease conclusively. Therefore, this variant is classified as a Variant of Uncertain Significance.

This study involves interpretation of variants in research participants for the purpose of population health screening. Participant phenotype was not available at the time of variant classification. Additional details can be found in publication PMID: 35346344, PMCID: PMC8962531

Labcorp Genetics (formerly Invitae), Labcorp
Classification: Likely benign for Arrhythmogenic cardiomyopathy with wooly hair and keratoderma; Arrhythmogenic right ventricular dysplasia 8. Last evaluated: 2022-10-23. Review status: criteria provided, single submitter. Criteria: Invitae Variant Classification Sherloc (09022015). Collection method: clinical testing. Allele origin: germline.

NM_004415.4(DSP):c.4826C>T (p.Ala1609Val)

Gene: DSP (desmoplakin; plus strand). Cytogenetic location: 6p24.3.
Variant type: single nucleotide variant.
Coding change: c.4826C>T on transcript NM_004415.4 (MANE Select); coding-DNA position 4826, C replaced by T.
Protein change: p.Ala1609Val; replaces alanine 1609 with valine.
Molecular consequence: missense variant. On other transcripts: intron variant (2).
Genome position (GRCh38, 1-based): chr6:7,581,016, C>T. VCF-style: chr6-7581016-C-T. GRCh37 (hg19) VCF-style: chr6-7581249-C-T.
Other names: c.4050+776C>T (NM_001319034.2); c.3582+1244C>T (NM_001008844.3); short protein forms A1609V.
Identifiers: ClinVar variation 1914262 (VCV001914262.6), dbSNP rs1383577532, ClinGen allele CA362687240.